The following is an entry in ClinVar:

NM_003356.4(UCP3):c.274G>A (p.Ala92Thr)

Gene: UCP3 (uncoupling protein 3; minus strand). Cytogenetic location: 11q13.4.
Variant type: single nucleotide variant.
Coding change: c.274G>A on transcript NM_003356.4 (MANE Select); coding-DNA position 274, G replaced by A.
Protein change: p.Ala92Thr; replaces alanine 92 with threonine.
Molecular consequence: missense variant.
Genome position (GRCh38, 1-based): chr11:74,006,232, C>T on the plus strand (G>A on the coding strand, the complement: UCP3 is on the minus strand). VCF-style: chr11-74006232-C-T. GRCh37 (hg19) VCF-style: chr11-73717277-C-T.
Other names: c.274G>A, p.Ala92Thr (NM_022803.3); short protein forms A92T.
Identifiers: ClinVar variation 437205 (VCV000437205.9), dbSNP rs192655642, ClinGen allele CA6181564.

ClinVar aggregate classification (germline): Uncertain significance. Review status: criteria provided, multiple submitters, no conflicts (2 of 4 stars). 3 submissions from 3 submitters: Uncertain significance (3). Last evaluated 2025-07-02.

Conditions:
UCP3-related disorder. Also called: UCP3-related condition.
Obesity. Also called: Obesity disorder. Identifiers: Orphanet 71529, MedGen C0028754, MeSH D009765, MONDO:0011122, HP:0001513.

Allele frequency attached by ClinVar (database versions not stated): gnomAD 0.00002 and 0.00005; TOPMed 0.00002; gnomAD exomes 0.00006 and 0.00014; ExAC 0.00015; 1000 Genomes Project 30x 0.00016; 1000 Genomes Project 0.00020.
gnomAD v4.1: 99 of 1,614,104 alleles (0.0061%); highest among the groups gnomAD compares: South Asian, 0.087%; 1 homozygote.

Submissions (3):

PreventionGenetics, part of Exact Sciences
Classification: Uncertain significance for UCP3-related condition. Last evaluated: 2025-07-02. Review status: criteria provided, single submitter. Criteria: ACMG Guidelines, 2015. Collection method: clinical testing. Allele origin: germline.
Comment: The UCP3 c.274G>A variant is predicted to result in the amino acid substitution p.Ala92Thr. To our knowledge, this variant has not been reported in the literature. This variant is reported in 0.098% of alleles in individuals of South Asian descent in gnomAD, which may be too common to be a primary cause of disease. Although we suspect that this variant may be benign, at this time, the clinical significance of this variant is uncertain due to the absence of conclusive functional and genetic evidence.

Fulgent Genetics
Classification: Uncertain significance for Inherited obesity. Last evaluated: 2021-07-19. Review status: criteria provided, single submitter. Criteria: ACMG Guidelines, 2015. Collection method: clinical testing. Allele origin: unknown.

Genetic Services Laboratory, University of Chicago
Classification: Uncertain significance. Last evaluated: 2017-03-28. Review status: criteria provided, single submitter. Criteria: ACMG Guidelines, 2015. Collection method: clinical testing. Allele origin: germline. Affected: no.